The following is an entry in ClinVar:

ClinVar aggregate classification (germline): Uncertain significance. Review status: criteria provided, multiple submitters, no conflicts (2 of 4 stars). 2 submissions from 2 submitters: Uncertain significance (2). Last evaluated 2025-09-28.

Conditions:
Progressive myoclonic epilepsy type 8. Identifiers: Orphanet 424027, MedGen C5190825, MONDO:0014545, OMIM 616230.

Allele frequency attached by ClinVar (database versions not stated): gnomAD 0.00001; TOPMed 0.00002.
gnomAD v4.1: 13 of 1,609,282 alleles (0.00081%); highest among the groups gnomAD compares: Middle Eastern, 0.017%; no homozygotes.

Submissions (2):

Ambry Genetics
Classification: Uncertain significance. Last evaluated: 2025-09-28. Review status: criteria provided, single submitter. Criteria: Ambry Variant Classification Scheme 2023. Collection method: clinical testing. Allele origin: germline.

Labcorp Genetics (formerly Invitae), Labcorp
Classification: Uncertain significance for Progressive myoclonic epilepsy type 8. Last evaluated: 2022-07-19. Review status: criteria provided, single submitter. Criteria: Invitae Variant Classification Sherloc (09022015). Collection method: clinical testing. Allele origin: germline.
Comment: ClinVar contains an entry for this variant (Variation ID: 1017566). In summary, the available evidence is currently insufficient to determine the role of this variant in disease. Therefore, it has been classified as a Variant of Uncertain Significance. Algorithms developed to predict the effect of missense changes on protein structure and function are either unavailable or do not agree on the potential impact of this missense change (SIFT: "Tolerated"; PolyPhen-2: "Possibly Damaging"; Align-GVGD: "Class C0"). This variant has not been reported in the literature in individuals affected with CERS1-related conditions. The frequency data for this variant in the population databases is considered unreliable, as metrics indicate poor data quality at this position in the gnomAD database. This sequence change replaces arginine, which is basic and polar, with histidine, which is basic and polar, at codon 273 of the CERS1 protein (p.Arg273His).

NM_021267.5(CERS1):c.818G>A (p.Arg273His)

Genes: CERS1 (ceramide synthase 1; minus strand), GDF1 (growth differentiation factor 1; minus strand). Cytogenetic location: 19p13.11.
Variant type: single nucleotide variant.
Coding change: c.818G>A on transcript NM_021267.5 (MANE Select); coding-DNA position 818, G replaced by A.
Protein change: p.Arg273His; replaces arginine 273 with histidine.
Molecular consequence: missense variant. On other transcripts: 5 prime UTR variant (1), intron variant (1).
Genome position (GRCh38, 1-based): chr19:18,879,323, C>T on the plus strand (G>A on the coding strand, the complement: CERS1 is on the minus strand). VCF-style: chr19-18879323-C-T. GRCh37 (hg19) VCF-style: chr19-18990132-C-T.
Other names: c.818G>A (NM_021267.3); c.524G>A, p.Arg175His (NM_001290265.2, NM_001387442.1, NM_001387443.1 and 2 more transcripts); c.818G>A, p.Arg273His (NM_001387439.1, NM_001387440.1, NM_198207.3); c.773G>A, p.Arg258His (NM_001387441.1); c.-505G>A (NM_001492.6); c.-313+4764G>A (NM_001387438.1); short protein forms R175H, R273H, R258H.
Identifiers: ClinVar variation 1017566 (VCV001017566.9), dbSNP rs775672669, ClinGen allele CA9318146.
Genomic context (GRCh38, chr19:18,879,323, plus strand): 5'-AGGGTGAGCAGCAGCAGGAGCGCATTGAAGAAGAAGTAGAAGGGGATGTCAGGCACCGTG[C>T]GCAGACTGCAGTGACTGGTGGCATACAGGACCTTGAGCGGGAACCAGTAGAGGCGGAACC-3'
Protein context (NP_067090.1, residues 263-283): VLYATSHCSL[Arg273His]TVPDIPFYFF